The following is an entry in ClinVar:

NM_004370.6(COL12A1):c.7210_7210+1delinsAC

Genes: COL12A1 (collagen type XII alpha 1 chain; minus strand), LOC126859712 (MED14-independent group 3 enhancer GRCh37_chr6:75828643-75829842; plus strand). Cytogenetic location: 6q13.
Variant type: Indel.
Coding change: c.7210_7210+1delinsAC on transcript NM_004370.6 (MANE Select); coding-DNA position 7210 through the canonical splice donor site of the intron after coding-DNA position 7210, GG replaced by AC.
Molecular consequence: splice donor variant.
Genome position (GRCh38, 1-based): chr6:75,119,349-75,119,350, CC replaced by GT on the plus strand (GG replaced by AC on the coding strand, the reverse complement: COL12A1 is on the minus strand). VCF-style: chr6-75119349-CC-GT. GRCh37 (hg19) VCF-style: chr6-75829065-CC-GT.
Other names: c.3718_3718+1delinsAC (NM_001424116.1, NM_080645.3); c.6937_6937+1delinsAC (NM_001424115.1); c.7189_7189+1delinsAC (NM_001424114.1); c.7210_7210+1delinsAC (NM_001424113.1).
Identifiers: ClinVar variation 5040755 (VCV005040755.1).
Genomic context (GRCh38, chr6:75,119,349, plus strand): 5'-TAATACACTCAGTTCTGCCACTACAAATGCTTGAAGAGTAAAGGTCTACATATACACATA[CC>GT]TGTTCTTGTGTTTCCTCCTCTGTACCTAATATTCTGGAGGGCCCCAAGGGCTAGGGCCTT-3'

ClinVar aggregate classification (germline): Pathogenic (1 of 4 stars; one submission).

Submission:

CeGaT Center for Human Genetics Tuebingen
Classification: Pathogenic. Last evaluated: 2026-07-01. Review status: criteria provided, single submitter. Criteria: CeGaT Center For Human Genetics Tuebingen Variant Classification Criteria Version 2. Collection method: clinical testing. Allele origin: germline. Affected: yes. Observed: 1 variant allele.
Comment: COL12A1: PVS1, PM2